The following is an entry in ClinVar:

ClinVar aggregate classification (germline): Uncertain significance (1 of 4 stars; one submission).

Allele frequency attached by ClinVar (database versions not stated): gnomAD 0.00001; TOPMed 0.00001.

Submission:

Labcorp Genetics (formerly Invitae), Labcorp
Classification: Uncertain significance. Last evaluated: 2022-02-09. Review status: criteria provided, single submitter. Criteria: Invitae Variant Classification Sherloc (09022015). Collection method: clinical testing. Allele origin: germline.
Comment: In summary, the available evidence is currently insufficient to determine the role of this variant in disease. Therefore, it has been classified as a Variant of Uncertain Significance. Algorithms developed to predict the effect of missense changes on protein structure and function (SIFT, PolyPhen-2, Align-GVGD) all suggest that this variant is likely to be tolerated. This variant has not been reported in the literature in individuals affected with CTDP1-related conditions. This variant is not present in population databases (gnomAD no frequency). This sequence change replaces alanine, which is neutral and non-polar, with serine, which is neutral and polar, at codon 20 of the CTDP1 protein (p.Ala20Ser).

NM_004715.5(CTDP1):c.58G>T (p.Ala20Ser)

Gene: CTDP1 (CTD phosphatase subunit 1; plus strand). Cytogenetic location: 18q23.
Variant type: single nucleotide variant.
Coding change: c.58G>T on transcript NM_004715.5 (MANE Select); coding-DNA position 58, G replaced by T.
Protein change: p.Ala20Ser; replaces alanine 20 with serine.
Molecular consequence: missense variant.
Genome position (GRCh38, 1-based): chr18:79,680,005, G>T. VCF-style: chr18-79680005-G-T. GRCh37 (hg19) VCF-style: chr18-77440005-G-T.
Other names: c.58G>T, p.Ala20Ser (NM_001318511.2, NM_048368.4); short protein forms A20S.
Identifiers: ClinVar variation 2095390 (VCV002095390.2), dbSNP rs1324904727, ClinGen allele CA402824871.